The following is an entry in ClinVar:

NM_000055.4(BCHE):c.1021A>T (p.Lys341Ter)

Gene: BCHE (butyrylcholinesterase; minus strand). Cytogenetic location: 3q26.1.
Variant type: single nucleotide variant.
Coding change: c.1021A>T on transcript NM_000055.4 (MANE Select); coding-DNA position 1021, A replaced by T.
Protein change: p.Lys341Ter; replaces lysine 341 with a stop codon.
Molecular consequence: nonsense. On other transcripts: non-coding transcript variant (1).
Genome position (GRCh38, 1-based): chr3:165,830,013, T>A on the plus strand (A>T on the coding strand, the complement: BCHE is on the minus strand). VCF-style: chr3-165830013-T-A. GRCh37 (hg19) VCF-style: chr3-165547801-T-A.
Other names: c.1021A>T (NM_000055.3); short protein forms K341*.
Identifiers: ClinVar variation 4990141 (VCV004990141.1).
Genomic context (GRCh38, chr3:165,830,013, plus strand): 5'-CATAGACTAAAAAAGCTGTCCCTTCATCTTTATTAACACCCACCAAAATCTGGGTTTTTT[T>A]AAATTGTCCAAGTTCAAGTAATATGTCTGGCATGTCAGTGAGAAAATCACCATCCACGGT-3'

ClinVar aggregate classification (germline): Likely pathogenic (1 of 4 stars; one submission).

Conditions:
BCHE-related disorder. Also called: BCHE-related condition.

Submission:

PreventionGenetics, part of Exact Sciences
Classification: Likely pathogenic for BCHE-related condition. Last evaluated: 2026-08-31. Review status: criteria provided, single submitter. Criteria: ACMG Guidelines, 2015. Collection method: clinical testing. Allele origin: germline.
Comment: The BCHE c.1021A>T variant is predicted to result in premature protein termination (p.Lys341*). To our knowledge, this variant has not been previously reported in the literature in association with butyrylcholinesterase disease. This variant is reported in 0.0064% of alleles in individuals of African descent in gnomAD. Nonsense variants in BCHE are expected to be pathogenic. This variant is interpreted as likely pathogenic.